The following is an entry in ClinVar:

NM_012469.4(PRPF6):c.1985G>A (p.Arg662Gln)

Gene: PRPF6 (pre-mRNA processing factor 6; plus strand). Cytogenetic location: 20q13.33.
Variant type: single nucleotide variant.
Coding change: c.1985G>A on transcript NM_012469.4 (MANE Select); coding-DNA position 1985, G replaced by A.
Protein change: p.Arg662Gln; replaces arginine 662 with glutamine.
Molecular consequence: missense variant.
Genome position (GRCh38, 1-based): chr20:64,026,015, G>A. VCF-style: chr20-64026015-G-A. GRCh37 (hg19) VCF-style: chr20-62657368-G-A.
Other names: short protein forms R662Q.
Identifiers: ClinVar variation 2801217 (VCV002801217.4), dbSNP rs2517649513, ClinGen allele CA409737843.

ClinVar aggregate classification (germline): Uncertain significance. Review status: criteria provided, multiple submitters, no conflicts (2 of 4 stars). 2 submissions from 2 submitters: Uncertain significance (2). Last evaluated 2022-11-26.

Allele frequency attached by ClinVar (database versions not stated): gnomAD exomes below 0.00001.
gnomAD v4.1: 2 of 1,611,188 alleles (0.00012%); highest among the groups gnomAD compares: Non-Finnish European, 0.00017%; no homozygotes.

Submissions (2):

Labcorp Genetics (formerly Invitae), Labcorp
Classification: Uncertain significance. Last evaluated: 2022-11-26. Review status: criteria provided, single submitter. Criteria: Invitae Variant Classification Sherloc (09022015). Collection method: clinical testing. Allele origin: germline.
Comment: This sequence change replaces arginine, which is basic and polar, with glutamine, which is neutral and polar, at codon 662 of the PRPF6 protein (p.Arg662Gln). This variant is not present in population databases (gnomAD no frequency). This variant has not been reported in the literature in individuals affected with PRPF6-related conditions. Algorithms developed to predict the effect of missense changes on protein structure and function (SIFT, PolyPhen-2, Align-GVGD) all suggest that this variant is likely to be disruptive. In summary, the available evidence is currently insufficient to determine the role of this variant in disease. Therefore, it has been classified as a Variant of Uncertain Significance.

Blueprint Genetics
Classification: Uncertain significance. Last evaluated: 2021-12-03. Review status: criteria provided, single submitter. Criteria: ACMG Guidelines, 2015. Collection method: clinical testing. Allele origin: germline.